The following is an entry in ClinVar:

NM_001378477.3(NYX):c.1058C>T (p.Thr353Ile)

Gene: NYX (nyctalopin; plus strand). Cytogenetic location: Xp11.4.
Variant type: single nucleotide variant.
Coding change: c.1058C>T on transcript NM_001378477.3 (MANE Select); coding-DNA position 1058, C replaced by T.
Protein change: p.Thr353Ile; replaces threonine 353 with isoleucine.
Molecular consequence: missense variant.
Genome position (GRCh38, 1-based): chrX:41,474,526, C>T. VCF-style: chrX-41474526-C-T. GRCh37 (hg19) VCF-style: chrX-41333779-C-T.
Other names: c.1058C>T, p.Thr353Ile (NM_022567.3); short protein forms T353I.
Identifiers: ClinVar variation 3000102 (VCV003000102.3), dbSNP rs1220988124, ClinGen allele CA412992515.

ClinVar aggregate classification (germline): Uncertain significance (1 of 4 stars; one submission).

Allele frequency attached by ClinVar (database versions not stated): gnomAD 0.00001; gnomAD exomes 0.00001.

Submission:

Labcorp Genetics (formerly Invitae), Labcorp
Classification: Uncertain significance. Last evaluated: 2022-11-22. Review status: criteria provided, single submitter. Criteria: Invitae Variant Classification Sherloc (09022015). Collection method: clinical testing. Allele origin: germline.
Comment: This sequence change replaces threonine, which is neutral and polar, with isoleucine, which is neutral and non-polar, at codon 358 of the NYX protein (p.Thr358Ile). This variant is present in population databases (no rsID available, gnomAD 0.003%). This variant has not been reported in the literature in individuals affected with NYX-related conditions. Advanced modeling of protein sequence and biophysical properties (such as structural, functional, and spatial information, amino acid conservation, physicochemical variation, residue mobility, and thermodynamic stability) performed at Invitae indicates that this missense variant is not expected to disrupt NYX protein function. In summary, the available evidence is currently insufficient to determine the role of this variant in disease. Therefore, it has been classified as a Variant of Uncertain Significance.